The following is an entry in ClinVar:

ClinVar aggregate classification (germline): Uncertain significance. Review status: criteria provided, multiple submitters, no conflicts (2 of 4 stars). 2 submissions from 2 submitters: Uncertain significance (2). Last evaluated 2022-12-04.

Allele frequency attached by ClinVar (database versions not stated): gnomAD exomes below 0.00001.
gnomAD v4.1: 1 of 1,211,569 alleles (0.000083%); highest among the groups gnomAD compares: Non-Finnish European, 0.00011%; no homozygotes.

Submissions (2):

GeneDx
Classification: Uncertain significance. Last evaluated: 2022-12-04. Review status: criteria provided, single submitter. Criteria: GeneDx Variant Classification Process June 2021. Collection method: clinical testing. Allele origin: germline. Affected: yes.
Comment: Not observed at significant frequency in large population cohorts (gnomAD); In silico analysis supports that this missense variant does not alter protein structure/function; Has not been previously published as pathogenic or benign to our knowledge

Labcorp Genetics (formerly Invitae), Labcorp
Classification: Uncertain significance. Last evaluated: 2022-06-19. Review status: criteria provided, single submitter. Criteria: Invitae Variant Classification Sherloc (09022015). Collection method: clinical testing. Allele origin: germline.
Comment: In summary, the available evidence is currently insufficient to determine the role of this variant in disease. Therefore, it has been classified as a Variant of Uncertain Significance. Algorithms developed to predict the effect of missense changes on protein structure and function are either unavailable or do not agree on the potential impact of this missense change (SIFT: "Deleterious"; PolyPhen-2: "Benign"; Align-GVGD: "Class C0"). This variant has not been reported in the literature in individuals affected with USP9X-related conditions. This variant is not present in population databases (gnomAD no frequency). This sequence change replaces asparagine, which is neutral and polar, with serine, which is neutral and polar, at codon 2408 of the USP9X protein (p.Asn2408Ser).

NM_001039591.3(USP9X):c.7223A>G (p.Asn2408Ser)

Gene: USP9X (ubiquitin specific peptidase 9 X-linked; plus strand). Cytogenetic location: Xp11.4.
Variant type: single nucleotide variant.
Coding change: c.7223A>G on transcript NM_001039591.3 (MANE Select); coding-DNA position 7223, A replaced by G.
Protein change: p.Asn2408Ser; replaces asparagine 2408 with serine.
Molecular consequence: missense variant.
Genome position (GRCh38, 1-based): chrX:41,229,571, A>G. VCF-style: chrX-41229571-A-G. GRCh37 (hg19) VCF-style: chrX-41088824-A-G.
Other names: c.7223A>G, p.Asn2408Ser (NM_001039590.3); c.7238A>G, p.Asn2413Ser (NM_001410748.1, NM_001410749.1); c.7223A>G (NM_001039590.2); short protein forms N2408S, N2413S.
Identifiers: ClinVar variation 1970461 (VCV001970461.6), dbSNP rs2519413851, ClinGen allele CA412752634.
Genomic context (GRCh38, chrX:41,229,571, plus strand): 5'-TTAACTTTGAAGTATTCCAAATCCTCTTATCTATATGGTTTTATTTTCTTTTGCAGGGCA[A>G]TGGAGATCTTAAAAGAAAGTGGACCTGGGCAGTGGAATGGCTTGGAGATGAACTTGAAAG-3'
Protein context (NP_001034680.2, residues 2398-2418): CPVAYQILQG[Asn2408Ser]GDLKRKWTWA